The following is an entry in ClinVar:

ClinVar aggregate classification (germline): Uncertain significance. Review status: criteria provided, multiple submitters, no conflicts (2 of 4 stars). 3 submissions from 3 submitters: Uncertain significance (3). Last evaluated 2026-05-07.

Conditions:
Bardet-Biedl syndrome (BBS). Identifiers: Orphanet 110, MedGen C0752166, MONDO:0015229.
WDPCP-related disorder. Also called: WDPCP-related condition.
Bardet-Biedl syndrome 15 (BBS15). Identifiers: Orphanet 110, MedGen C3150127, MONDO:0014443, OMIM 615992.
Heart defect - tongue hamartoma - polysyndactyly syndrome. Also called: Congenital heart defects, hamartomas of tongue, and polysyndactyly. Identifiers: Orphanet 1338, MedGen C1857587, MONDO:0009008, OMIM 217085.

Allele frequency attached by ClinVar (database versions not stated): ExAC 0.00001; gnomAD 0.00001; TOPMed 0.00001; gnomAD exomes 0.00002 and 0.00003.
gnomAD v4.1: 39 of 1,602,604 alleles (0.0024%); highest among the groups gnomAD compares: Non-Finnish European, 0.0031%; no homozygotes.

Submissions (3):

PreventionGenetics, part of Exact Sciences
Classification: Uncertain significance for WDPCP-related condition. Last evaluated: 2026-05-07. Review status: criteria provided, single submitter. Criteria: ACMG Guidelines, 2015. Collection method: clinical testing. Allele origin: germline.
Comment: The WDPCP c.581A>G variant is predicted to result in the amino acid substitution p.Glu194Gly. To our knowledge, this variant has not been reported in the literature. This variant is reported in 0.0036% of alleles in individuals of European (Non-Finnish) descent in gnomAD. At this time, the clinical significance of this variant is uncertain due to the absence of conclusive functional and genetic evidence.

Fulgent Genetics
Classification: Uncertain significance for Heart defect - tongue hamartoma - polysyndactyly syndrome; Bardet-Biedl syndrome 15. Last evaluated: 2024-06-24. Review status: criteria provided, single submitter. Criteria: ACMG Guidelines, 2015. Collection method: clinical testing. Allele origin: germline.

Labcorp Genetics (formerly Invitae), Labcorp
Classification: Uncertain significance for Bardet-Biedl syndrome. Last evaluated: 2022-07-26. Review status: criteria provided, single submitter. Criteria: Invitae Variant Classification Sherloc (09022015). Collection method: clinical testing. Allele origin: germline.
Comment: This variant is present in population databases (rs750252971, gnomAD 0.004%). This sequence change replaces glutamic acid, which is acidic and polar, with glycine, which is neutral and non-polar, at codon 194 of the WDPCP protein (p.Glu194Gly). This variant has not been reported in the literature in individuals affected with WDPCP-related conditions. In summary, the available evidence is currently insufficient to determine the role of this variant in disease. Therefore, it has been classified as a Variant of Uncertain Significance. Algorithms developed to predict the effect of missense changes on protein structure and function output the following: SIFT: "Tolerated"; PolyPhen-2: "Benign"; Align-GVGD: "Class C0". The glycine amino acid residue is found in multiple mammalian species, which suggests that this missense change does not adversely affect protein function. ClinVar contains an entry for this variant (Variation ID: 1047142).

NM_015910.7(WDPCP):c.581A>G (p.Glu194Gly)

Gene: WDPCP (WD repeat containing planar cell polarity effector; minus strand). Cytogenetic location: 2p15.
Variant type: single nucleotide variant.
Coding change: c.581A>G on transcript NM_015910.7 (MANE Select); coding-DNA position 581, A replaced by G.
Protein change: p.Glu194Gly; replaces glutamic acid 194 with glycine.
Molecular consequence: missense variant. On other transcripts: non-coding transcript variant (3).
Genome position (GRCh38, 1-based): chr2:63,437,473, T>C on the plus strand (A>G on the coding strand, the complement: WDPCP is on the minus strand). VCF-style: chr2-63437473-T-C. GRCh37 (hg19) VCF-style: chr2-63664607-T-C.
Other names: c.104A>G, p.Glu35Gly (NM_001042692.3); c.509A>G, p.Glu170Gly (NM_001354044.2); c.581A>G, p.Glu194Gly (NM_001354045.2); c.581A>G (NM_015910.5); short protein forms E194G, E170G, E35G.
Identifiers: ClinVar variation 1047142 (VCV001047142.11), dbSNP rs750252971, ClinGen allele CA1682407.